The following is an entry in ClinVar:

NM_003227.4(TFR2):c.458_473+6del

Gene: TFR2 (transferrin receptor 2; minus strand). Cytogenetic location: 7q22.1.
Variant type: Deletion.
Coding change: c.458_473+6del on transcript NM_003227.4 (MANE Select); coding-DNA position 458 through 6 bases into the intron after coding-DNA position 473, 22 bases deleted (TGGAGGACACCATCAGGTAGGG).
Molecular consequence: splice donor variant.
Genome position (GRCh38, 1-based): chr7:100,640,680-100,640,701, CCCTACCTGATGGTGTCCTCCA deleted on the plus strand (TGGAGGACACCATCAGGTAGGG on the coding strand, the reverse complement: TFR2 is on the minus strand). VCF-style (leftmost placement, unchanged base first): chr7-100640679-TCCCTACCTGATGGTGTCCTCCA-T. GRCh37 (hg19) VCF-style: chr7-100238302-TCCCTACCTGATGGTGTCCTCCA-T.
Identifiers: ClinVar variation 2698955 (VCV002698955.3), dbSNP rs2486146751, ClinGen allele CA2697557472.
Genomic context (GRCh38, chr7:100,640,679, plus strand): 5'-GGAGGCCCAGTCTGAGCGGATGAGGGGAGGGACACTCGAGAACAGGATGGGGCAGGGCCA[TCCCTACCTGATGGTGTCCTCCA>T]GGCGCCCCTCCCCCAGGAACTGCAGGAACATGGCCTGGAGGTCGCTCCAGTAGAGTCTGC-3'

ClinVar aggregate classification (germline): Likely pathogenic (1 of 4 stars; one submission).

Conditions:
Hereditary hemochromatosis (HFE). Identifiers: MedGen C0392514, MONDO:0006507. Disease mechanism: loss of function.

Submission:

Labcorp Genetics (formerly Invitae), Labcorp
Classification: Likely pathogenic for Hereditary hemochromatosis. Last evaluated: 2023-11-25. Review status: criteria provided, single submitter. Criteria: Invitae Variant Classification Sherloc (09022015). Collection method: clinical testing. Allele origin: germline.
Comment: This variant results in the deletion of part of exon 3 (c.458_473+6del) of the TFR2 gene. It is expected to disrupt RNA splicing. Variants that disrupt the donor or acceptor splice site typically lead to a loss of protein function (PMID: 16199547), and loss-of-function variants in TFR2 are known to be pathogenic (PMID: 23600741, 26029709). This variant is not present in population databases (gnomAD no frequency). This variant has not been reported in the literature in individuals affected with TFR2-related conditions. In summary, the currently available evidence indicates that the variant is pathogenic, but additional data are needed to prove that conclusively. Therefore, this variant has been classified as Likely Pathogenic.

Literature cited by the submitters: PubMed 16199547; PubMed 23600741; PubMed 26029709.